The following is an entry in ClinVar:

NM_001267550.2(TTN):c.91307G>A (p.Arg30436Gln)

Genes: TTN (titin; minus strand), TTN-AS1 (TTN antisense RNA 1; plus strand). Cytogenetic location: 2q31.2.
Variant type: single nucleotide variant.
Coding change: c.91307G>A on transcript NM_001267550.2 (MANE Select); coding-DNA position 91307, G replaced by A.
Protein change: p.Arg30436Gln; replaces arginine 30436 with glutamine.
Molecular consequence: missense variant.
Genome position (GRCh38, 1-based): chr2:178,551,224, C>T on the plus strand (G>A on the coding strand, the complement: TTN is on the minus strand). VCF-style: chr2-178551224-C-T. GRCh37 (hg19) VCF-style: chr2-179415951-C-T.
Other names: p.R28795Q:CGG>CAG; c.86384G>A, p.Arg28795Gln (NM_001256850.1); c.64112G>A, p.Arg21371Gln (NM_003319.4); c.83603G>A, p.Arg27868Gln (NM_133378.4); c.64487G>A, p.Arg21496Gln (NM_133432.3); c.64688G>A, p.Arg21563Gln (NM_133437.4); short protein forms R28795Q, R30436Q, R27868Q, R21563Q, R21371Q, R21496Q.
Identifiers: ClinVar variation 202977 (VCV000202977.9), dbSNP rs770081431, ClinGen allele CA310869.

ClinVar aggregate classification (germline): Conflicting classifications of pathogenicity. Review status: criteria provided, conflicting classifications (1 of 4 stars). 5 submissions from 5 submitters: Uncertain significance (4); Likely benign (1). Last evaluated 2026-09-21.

Conditions:
Cardiovascular phenotype. Identifiers: MedGen CN230736.
Early-onset myopathy with fatal cardiomyopathy (CMYO5). Also called: CONGENITAL MYOPATHY 5 WITH CARDIOMYOPATHY; Salih Myopathy. Identifiers: Orphanet 289377, MedGen C2673677, MONDO:0012714, OMIM 611705. Disease mechanism: loss of function.
Autosomal recessive limb-girdle muscular dystrophy type 2J (LGMDR10). Also called: MUSCULAR DYSTROPHY, LIMB-GIRDLE, AUTOSOMAL RECESSIVE 10; Limb-girdle muscular dystrophy, type 2J. Identifiers: Orphanet 140922, MedGen C1837342, MONDO:0012127, OMIM 608807.
Hypertrophic cardiomyopathy 9. Also called: Familial hypertrophic cardiomyopathy 9. Identifiers: MedGen C1861065, MONDO:0013412, OMIM 613765.
Dilated cardiomyopathy 1G (CMD1G). Identifiers: Orphanet 154, MedGen C1858763, MONDO:0011400, OMIM 604145.
Tibial muscular dystrophy (TMD). Also called: Tibial muscular dystrophy, tardive; Udd Distal Myopathy – Tibial Muscular Dystrophy; UDD MYOPATHY. Identifiers: Orphanet 609, MedGen C1838244, MONDO:0010870, OMIM 600334.
Myopathy, myofibrillar, 9, with early respiratory failure (MFM9). Also called: EDSTROM MYOPATHY; Myopathy, distal, with early respiratory failure, autosomal dominant; Hereditary myopathy with early respiratory failure; MYOPATHY, PROXIMAL, WITH EARLY RESPIRATORY MUSCLE INVOLVEMENT. Identifiers: Orphanet 178464, Orphanet 34521, MedGen C1863599, MONDO:0011362, OMIM 603689.

Allele frequency attached by ClinVar (database versions not stated): TOPMed 0.00003; ExAC 0.00002; gnomAD 0.00004.
gnomAD v4.1: 45 of 1,613,040 alleles (0.0028%); highest among the groups gnomAD compares: Middle Eastern, 0.016%; no homozygotes.

Submissions (5):

Molecular Diagnostic Laboratory for Inherited Cardiovascular Disease, Montreal Heart Institute
Classification: Likely benign. Last evaluated: 2026-09-21. Review status: criteria provided, single submitter. Criteria: ACMG Guidelines, 2015. Collection method: clinical testing. Allele origin: germline. Affected: no.

Revvity Omics, Revvity
Classification: Uncertain significance. Last evaluated: 2025-06-12. Review status: criteria provided, single submitter. Criteria: ACMG Guidelines, 2015. Collection method: clinical testing. Allele origin: germline.

Fulgent Genetics
Classification: Uncertain significance for Tibial muscular dystrophy; Myopathy, myofibrillar, 9, with early respiratory failure; Dilated cardiomyopathy 1G; Autosomal recessive limb-girdle muscular dystrophy type 2J; Early-onset myopathy with fatal cardiomyopathy; Hypertrophic cardiomyopathy 9. Last evaluated: 2021-10-04. Review status: criteria provided, single submitter. Criteria: ACMG Guidelines, 2015. Collection method: clinical testing. Allele origin: unknown.

GeneDx
Classification: Uncertain significance. Last evaluated: 2021-04-07. Review status: criteria provided, single submitter. Criteria: GeneDx Variant Classification Process June 2021. Collection method: clinical testing. Allele origin: germline. Affected: yes.
Comment: Not observed at a significant frequency in large population cohorts (Lek et al., 2016); Has not been previously published as pathogenic or benign to our knowledge; In silico analysis, which includes splice predictors and evolutionary conservation, suggests this variant may impact gene splicing. In the absence of RNA/functional studies, the actual effect of this sequence change is unknown.

Ambry Genetics
Classification: Uncertain significance for Cardiovascular phenotype. Last evaluated: 2015-10-20. Review status: criteria provided, single submitter. Criteria: Ambry Autosomal Dominant and X-Linked criteria (10/2015). Collection method: clinical testing. Allele origin: germline. Observed: 1 variant allele.
Comment: The p.R27868Q variant (also known as c.83603G>A), located in coding exon 284 of the TTN gene, results from a G to A substitution at nucleotide position 83603. The arginine at codon 27868 is replaced by glutamine, an amino acid with some highly similar properties. This variant was previously reported in theSNPDatabaseasrs770081431.Based on data fromExAC, the A allele was reported in 2 of 120516 total alleles (ExomeAggregation Consortium (ExAC), Cambridge, MA (URL) [Accessed October20, 2015]). This variant was not reported in population based cohorts in the following databases: NHLBI Exome Sequencing Project (ESP)and 1000 Genomes Project. In the ESP, this variant was not observed in 6058 samples (12116 alleles) with coverage at this position. This amino acid position is highly conserved in available vertebrate species. In addition, this alteration is predicted to be tolerated by in silico analysis.Since supporting evidence is limited at this time, the clinical significance of this variant remains unclear.